The following is an entry in ClinVar:

ClinVar aggregate classification (germline): Uncertain significance (1 of 4 stars; one submission).

Conditions:
Charcot-Marie-Tooth disease axonal type 2O. Also called: CHARCOT-MARIE-TOOTH NEUROPATHY, AXONAL, TYPE 2O; CHARCOT-MARIE-TOOTH DISEASE, AXONAL, AUTOSOMAL DOMINANT, TYPE 2O; Charcot-Marie-Tooth Neuropathy Type 2O; Charcot-Marie-Tooth disease, axonal, type 20. Identifiers: Orphanet 284232, MedGen C3280220, MONDO:0013644, OMIM 614228.

Submission:

Labcorp Genetics (formerly Invitae), Labcorp
Classification: Uncertain significance for Charcot-Marie-Tooth disease axonal type 2O. Last evaluated: 2022-04-08. Review status: criteria provided, single submitter. Criteria: Invitae Variant Classification Sherloc (09022015). Collection method: clinical testing. Allele origin: germline.
Comment: In summary, the available evidence is currently insufficient to determine the role of this variant in disease. Therefore, it has been classified as a Variant of Uncertain Significance. Variants that disrupt the consensus splice site are a relatively common cause of aberrant splicing (PMID: 17576681, 9536098). Algorithms developed to predict the effect of sequence changes on RNA splicing suggest that this variant may disrupt the consensus splice site. ClinVar contains an entry for this variant (Variation ID: 863120). This variant has not been reported in the literature in individuals affected with DYNC1H1-related conditions. This variant is not present in population databases (gnomAD no frequency). This sequence change falls in intron 31 of the DYNC1H1 gene. It does not directly change the encoded amino acid sequence of the DYNC1H1 protein. It affects a nucleotide within the consensus splice site.

Literature cited by the submitters: PubMed 17576681; PubMed 9536098.

NM_001376.5(DYNC1H1):c.6405+4_6405+44del

Gene: DYNC1H1 (dynein cytoplasmic 1 heavy chain 1; plus strand). Cytogenetic location: 14q32.31.
Variant type: Deletion.
Coding change: c.6405+4_6405+44del on transcript NM_001376.5 (MANE Select); bases 4 to 44 of the intron after coding-DNA position 6405, 41 bases deleted.
Molecular consequence: splice donor variant.
Genome position (GRCh38, 1-based): chr14:102,010,463-102,010,503, 41 bases deleted; deleting any 41 consecutive bases within chr14:102,010,461-102,010,503 gives the same sequence; the c. name uses the placement nearest the transcript's 3' end. GRCh37 (hg19): chr14:102,476,800-102,476,840.
Identifiers: ClinVar variation 863120 (VCV000863120.7), dbSNP rs1266891331, ClinGen allele CA703169238.